The following is an entry in ClinVar:

ClinVar aggregate classification (germline): Uncertain significance (1 of 4 stars; one submission).

Submission:

GeneDx
Classification: Uncertain significance. Last evaluated: 2023-01-04. Review status: criteria provided, single submitter. Criteria: GeneDx Variant Classification Process June 2021. Collection method: clinical testing. Allele origin: germline. Affected: yes.
Comment: Not observed at significant frequency in large population cohorts (gnomAD); In silico analysis supports that this missense variant does not alter protein structure/function; Has not been previously published as pathogenic or benign to our knowledge; This variant is associated with the following publications: (PMID: 28545555)

NM_017654.4(SAMD9):c.1780T>A (p.Leu594Ile)

Gene: SAMD9 (sterile alpha motif domain containing 9; minus strand). Cytogenetic location: 7q21.2.
Variant type: single nucleotide variant.
Coding change: c.1780T>A on transcript NM_017654.4 (MANE Select); coding-DNA position 1780, T replaced by A.
Protein change: p.Leu594Ile; replaces leucine 594 with isoleucine.
Molecular consequence: missense variant.
Genome position (GRCh38, 1-based): chr7:93,104,318, A>T on the plus strand (T>A on the coding strand, the complement: SAMD9 is on the minus strand). VCF-style: chr7-93104318-A-T. GRCh37 (hg19) VCF-style: chr7-92733631-A-T.
Other names: c.1780T>A, p.Leu594Ile (NM_001193307.2); short protein forms L594I.
Identifiers: ClinVar variation 2571839 (VCV002571839.1), dbSNP rs1339638431, ClinGen allele CA368194717.